The following is an entry in ClinVar:

NC_000013.11:g.(?_32315480)_(32398770_?)del

Gene: BRCA2 (BRCA2 DNA repair associated; plus strand). Cytogenetic location: 13q13.1.
Variant type: Deletion.
Identifiers: ClinVar variation 830791 (VCV000830791.2).

ClinVar aggregate classification (germline): Pathogenic (1 of 4 stars; one submission).

Conditions:
Hereditary breast ovarian cancer syndrome. Also called: Hereditary breast and/or ovarian cancer syndrome; Hereditary breast and ovarian cancer syndrome (HBOC); Breast and ovarian cancer; Hereditary breast and ovarian cancer; BRCA1- and BRCA2-Associated Hereditary Breast and Ovarian Cancer; Hereditary breast and ovarian cancer syndrome. Identifiers: Orphanet 145, MedGen C0677776, MeSH D061325, MONDO:0003582. Disease mechanism: loss of function.

Submission:

Labcorp Genetics (formerly Invitae), Labcorp
Classification: Pathogenic for Hereditary breast ovarian cancer syndrome. Last evaluated: 2022-10-13. Review status: criteria provided, single submitter. Criteria: Invitae Variant Classification Sherloc (09022015). Collection method: clinical testing. Allele origin: germline.
Comment: A gross deletion of the genomic region encompassing the full coding sequence of the BRCA2 gene has been identified. Loss-of-function variants in BRCA2 are known to be pathogenic (PMID: 20104584). The boundaries of this event are unknown as they extend beyond the assayed region for this gene and therefore may encompass additional genes. A similar copy number variant has been observed in individual(s) with personal and family history of breast and/or ovarian cancer (PMID: 21120943, 22762150, 29310832). For these reasons, this variant has been classified as Pathogenic.

Literature cited by the submitters: PubMed 20104584; PubMed 21120943; PubMed 22762150; PubMed 29310832.